The following is an entry in ClinVar:

NM_018010.4(IFT57):c.585+6T>C

Gene: IFT57 (intraflagellar transport 57; minus strand). Cytogenetic location: 3q13.13.
Variant type: single nucleotide variant.
Coding change: c.585+6T>C on transcript NM_018010.4 (MANE Select); 6 bases into the intron after coding-DNA position 585, T replaced by C.
Molecular consequence: intron variant.
Genome position (GRCh38, 1-based): chr3:108,213,925, A>G on the plus strand (T>C on the coding strand, the complement: IFT57 is on the minus strand). VCF-style: chr3-108213925-A-G. GRCh37 (hg19) VCF-style: chr3-107932772-A-G.
Identifiers: ClinVar variation 1438471 (VCV001438471.7), dbSNP rs750440365, ClinGen allele CA2526670.

ClinVar aggregate classification (germline): Uncertain significance (1 of 4 stars; one submission).

Allele frequency attached by ClinVar (database versions not stated): TOPMed 0.00004; gnomAD 0.00005; gnomAD exomes 0.00005 and 0.00006; ExAC 0.00009.
gnomAD v4.1: 79 of 1,571,544 alleles (0.005%); highest among the groups gnomAD compares: Admixed American, 0.0067%; no homozygotes.

Submissions (2):

Labcorp Genetics (formerly Invitae), Labcorp
Classification: Uncertain significance. Last evaluated: 2025-12-21. Review status: criteria provided, single submitter. Criteria: Invitae Variant Classification Sherloc (09022015). Collection method: clinical testing. Allele origin: germline.
Comment: This sequence change falls in intron 4 of the IFT57 gene. It does not directly change the encoded amino acid sequence of the IFT57 protein. It affects a nucleotide within the consensus splice site. This variant is present in population databases (rs750440365, gnomAD 0.01%). This variant has not been reported in the literature in individuals affected with IFT57-related conditions. ClinVar contains an entry for this variant (Variation ID: 1438471). Variants that disrupt the consensus splice site are a relatively common cause of aberrant splicing (PMID: 17576681, 9536098). Algorithms developed to predict the effect of sequence changes on RNA splicing suggest that this variant is not likely to affect RNA splicing. In summary, the available evidence is currently insufficient to determine the role of this variant in disease. Therefore, it has been classified as a Variant of Uncertain Significance.

Dr. Peter K. Rogan Lab, Western University
No classification provided (evidence only). Condition: Clear cell carcinoma of kidney. Review status: no classification provided. Collection method: in vitro. Allele origin: not applicable. Functional consequence: retained intron. Not counted in ClinVar's aggregate classification.

Literature cited by the submitters: PubMed 17576681 (cited by Labcorp Genetics (formerly Invitae), Labcorp); PubMed 9536098 (cited by Labcorp Genetics (formerly Invitae), Labcorp).